The following is an entry in ClinVar:

NM_001384900.1(SEMA3D):c.683T>C (p.Ile228Thr)

Gene: SEMA3D (semaphorin 3D; minus strand). Cytogenetic location: 7q21.11.
Variant type: single nucleotide variant.
Coding change: c.683T>C on transcript NM_001384900.1 (MANE Select); coding-DNA position 683, T replaced by C.
Protein change: p.Ile228Thr; replaces isoleucine 228 with threonine.
Molecular consequence: missense variant.
Genome position (GRCh38, 1-based): chr7:85,065,459, A>G on the plus strand (T>C on the coding strand, the complement: SEMA3D is on the minus strand). VCF-style: chr7-85065459-A-G. GRCh37 (hg19) VCF-style: chr7-84694775-A-G.
Other names: c.683T>C, p.Ile228Thr (NM_001384901.1, NM_001384902.1, NM_001384903.1 and 1 more transcripts); short protein forms I228T.
Identifiers: ClinVar variation 3056043 (VCV003056043.3), dbSNP rs755000896, ClinGen allele CA4323672.

ClinVar aggregate classification (germline): Uncertain significance. Review status: criteria provided, single submitter (1 of 4 stars). 2 submissions from 2 submitters: Uncertain significance (1). 1 of the submissions does not count toward it. Last evaluated 2024-03-01.

Conditions:
SEMA3D-related disorder. Also called: SEMA3D-related condition.

Allele frequency attached by ClinVar (database versions not stated): ExAC 0.00002; gnomAD 0.00002; gnomAD exomes 0.00002; TOPMed 0.00002.
gnomAD v4.1: 17 of 1,613,352 alleles (0.0011%); highest among the groups gnomAD compares: Admixed American, 0.027%; no homozygotes.

Submissions (2):

Ambry Genetics
Classification: Uncertain significance. Last evaluated: 2024-03-01. Review status: criteria provided, single submitter. Criteria: Ambry Variant Classification Scheme 2023. Collection method: clinical testing. Allele origin: germline.

PreventionGenetics, part of Exact Sciences
Classification: Uncertain significance for SEMA3D-related condition. Last evaluated: 2024-01-17. Review status: no assertion criteria provided. Collection method: clinical testing. Allele origin: germline. Not counted in ClinVar's aggregate classification.
Comment: The SEMA3D c.683T>C variant is predicted to result in the amino acid substitution p.Ile228Thr. To our knowledge, this variant has not been reported in the literature. This variant is reported in 0.035% of alleles in individuals of Latino descent in gnomAD. At this time, the clinical significance of this variant is uncertain due to the absence of conclusive functional and genetic evidence.